The following is an entry in ClinVar:

ClinVar aggregate classification (germline): Likely pathogenic (1 of 4 stars; one submission).

Conditions:
Nemaline myopathy 2 (NEM2). Also called: Nemaline myopathy 2, autosomal recessive. Identifiers: MedGen C1850569, MONDO:0009725, OMIM 256030.

Submission:

Myriad Genetics, Inc.
Classification: Likely pathogenic for Nemaline myopathy 2. Last evaluated: 2022-04-01. Review status: criteria provided, single submitter. Criteria: Myriad Women's Health Autosomal Recessive and X-Linked Classification Criteria (2021). Collection method: clinical testing. Allele origin: unknown.
Comment: NM_001271208.1(NEB):c.4047_4048delCC(Q1350Gfs*2) is expected to be pathogenic in the context of NEB-related nemaline myopathy. This variant is predicted to lead to an abnormal or absent protein product due to the creation of a premature termination codon in NEB, a gene where loss-of-function variants are known to be pathogenic. Please note: this variant was assessed in the context of healthy population screening.

NM_001164508.2(NEB):c.4047_4048del (p.Gln1350fs)

Gene: NEB (nebulin; minus strand). Cytogenetic location: 2q23.3.
Variant type: Deletion.
Coding change: c.4047_4048del on transcript NM_001164508.2 (MANE Select); coding-DNA positions 4047 to 4048, 2 bases deleted (CC; older notation c.4047_4048delCC).
Protein change: p.Gln1350fs; shifts the reading frame from glutamine 1350.
Molecular consequence: frameshift variant.
Genome position (GRCh38, 1-based): chr2:151,672,620-151,672,621, GG deleted on the plus strand (CC on the coding strand, the reverse complement: NEB is on the minus strand). VCF-style (leftmost placement, unchanged base first): chr2-151672619-TGG-T. GRCh37 (hg19) VCF-style: chr2-152529133-TGG-T.
Other names: c.4047_4048del, p.Gln1350fs (NM_001164507.2, NM_001271208.2, NM_004543.5); short protein forms Q1350fs.
Identifiers: ClinVar variation 1725789 (VCV001725789.2), dbSNP rs2552260681, ClinGen allele CA2580064125.